The following is an entry in ClinVar:

NM_001370259.2(MEN1):c.1456G>T (p.Glu486Ter)

Gene: MEN1 (menin 1; minus strand). Cytogenetic location: 11q13.1.
Variant type: single nucleotide variant.
Coding change: c.1456G>T on transcript NM_001370259.2 (MANE Select); coding-DNA position 1456, G replaced by T.
Protein change: p.Glu486Ter; replaces glutamic acid 486 with a stop codon.
Molecular consequence: nonsense.
Genome position (GRCh38, 1-based): chr11:64,804,711, C>A on the plus strand (G>T on the coding strand, the complement: MEN1 is on the minus strand). VCF-style: chr11-64804711-C-A. GRCh37 (hg19) VCF-style: chr11-64572183-C-A.
Other names: c.1351G>T, p.Glu451Ter (NM_001370262.2, NM_001370263.2); c.1456G>T, p.Glu486Ter (NM_130799.3, NM_001370260.2, NM_001370261.2); c.1471G>T, p.Glu491Ter (NM_130800.3, NM_130801.3, NM_130802.3 and 3 more transcripts); c.1456G>T (NM_130799.2); c.1582G>T, p.Glu528Ter (NM_001370251.2); short protein forms E451*, E486*, E491*, E528*.
Identifiers: ClinVar variation 1069776 (VCV001069776.8), dbSNP rs2136089217, ClinGen allele CA381179217.

ClinVar aggregate classification (germline): Pathogenic. Review status: criteria provided, multiple submitters, no conflicts (2 of 4 stars). 3 submissions from 3 submitters: Pathogenic (3). Last evaluated 2025-06-09.

Conditions:
Multiple endocrine neoplasia, type 1 (MEN1). Also called: MEN I; WERMER SYNDROME; Endocrine adenomatosis multiple; MEN 1; MEA I. Identifiers: Orphanet 652, MedGen C0025267, MeSH D018761, MONDO:0007540, OMIM 131100.

Submissions (3):

Quest Diagnostics Nichols Institute San Juan Capistrano
Classification: Pathogenic. Last evaluated: 2025-06-09. Review status: criteria provided, single submitter. Criteria: Quest Diagnostics criteria. Collection method: clinical testing. Allele origin: unknown.
Comment: The MEN1 c.1456G>T (p.Glu486*) variant causes the premature termination of MEN1 protein synthesis. This variant has not been reported in individuals with MEN1-related conditions in the published literature. This variant has not been reported in large, multi-ethnic general populations (Genome Aggregation Database). Based on the available information, this variant is classified as pathogenic.

Myriad Genetics, Inc.
Classification: Pathogenic for Multiple endocrine neoplasia, type 1. Last evaluated: 2023-10-19. Review status: criteria provided, single submitter. Criteria: Myriad Autosomal Dominant, Autosomal Recessive and X-Linked Classification Criteria (2023). Collection method: clinical testing. Allele origin: unknown.
Comment: This variant is considered pathogenic. This variant creates a termination codon and is predicted to result in premature protein truncation.

Labcorp Genetics (formerly Invitae), Labcorp
Classification: Pathogenic for Multiple endocrine neoplasia, type 1. Last evaluated: 2022-07-30. Review status: criteria provided, single submitter. Criteria: Invitae Variant Classification Sherloc (09022015). Collection method: clinical testing. Allele origin: germline.
Comment: For these reasons, this variant has been classified as Pathogenic. This variant disrupts a region of the MEN1 protein in which other variant(s) (p.Thr580Argfs*8) have been determined to be pathogenic (PMID: 15331604, 16449969; Invitae). This suggests that this is a clinically significant region of the protein, and that variants that disrupt it are likely to be disease-causing. Algorithms developed to predict the effect of sequence changes on RNA splicing suggest that this variant may create or strengthen a splice site. ClinVar contains an entry for this variant (Variation ID: 1069776). This variant has not been reported in the literature in individuals affected with MEN1-related conditions. This variant is not present in population databases (gnomAD no frequency). This sequence change creates a premature translational stop signal (p.Glu486*) in the MEN1 gene. While this is not anticipated to result in nonsense mediated decay, it is expected to disrupt the last 125 amino acid(s) of the MEN1 protein.

Literature cited by the submitters: PubMed 15331604 (cited by Labcorp Genetics (formerly Invitae), Labcorp); PubMed 16449969 (cited by Labcorp Genetics (formerly Invitae), Labcorp).